The following is an entry in ClinVar:

ClinVar aggregate classification (germline): Uncertain significance. Review status: criteria provided, multiple submitters, no conflicts (2 of 4 stars). 2 submissions from 2 submitters: Uncertain significance (2). Last evaluated 2025-01-23.

Conditions:
LZTR1-related schwannomatosis. Also called: Schwannomatosis-2, susceptibility to; Schwannomatosis 2. Identifiers: Orphanet 93921, MedGen C3810283, MONDO:0014299, OMIM 615670.

Submissions (2):

Labcorp Genetics (formerly Invitae), Labcorp
Classification: Uncertain significance. Last evaluated: 2025-01-23. Review status: criteria provided, single submitter. Criteria: Invitae Variant Classification Sherloc (09022015). Collection method: clinical testing. Allele origin: germline.
Comment: This sequence change replaces serine, which is neutral and polar, with arginine, which is basic and polar, at codon 556 of the LZTR1 protein (p.Ser556Arg). This variant is not present in population databases (gnomAD no frequency). This missense change has been observed in individual(s) with LZTR1-related conditions (PMID: 35131284). ClinVar contains an entry for this variant (Variation ID: 3241857). Invitae Evidence Modeling of protein sequence and biophysical properties (such as structural, functional, and spatial information, amino acid conservation, physicochemical variation, residue mobility, and thermodynamic stability) indicates that this missense variant is not expected to disrupt LZTR1 protein function with a negative predictive value of 80%. In summary, the available evidence is currently insufficient to determine the role of this variant in disease. Therefore, it has been classified as a Variant of Uncertain Significance.

Baylor Genetics
Classification: Uncertain significance for LZTR1-related schwannomatosis. Last evaluated: 2024-02-23. Review status: criteria provided, single submitter. Criteria: ACMG Guidelines, 2015. Collection method: clinical testing. Allele origin: unknown.

Literature cited by the submitters: PubMed 35131284 (cited by Labcorp Genetics (formerly Invitae), Labcorp).

NM_006767.4(LZTR1):c.1668C>G (p.Ser556Arg)

Gene: LZTR1 (leucine zipper like post translational regulator 1; plus strand). Cytogenetic location: 22q11.21.
Variant type: single nucleotide variant.
Coding change: c.1668C>G on transcript NM_006767.4 (MANE Select); coding-DNA position 1668, C replaced by G.
Protein change: p.Ser556Arg; replaces serine 556 with arginine.
Molecular consequence: missense variant.
Genome position (GRCh38, 1-based): chr22:20,994,610, C>G. VCF-style: chr22-20994610-C-G. GRCh37 (hg19) VCF-style: chr22-21348899-C-G.
Other names: short protein forms S556R.
Identifiers: ClinVar variation 3241857 (VCV003241857.3), dbSNP rs989098259.